The following is an entry in ClinVar:

NM_001039141.3(TRIOBP):c.3718del (p.Leu1240fs)

Gene: TRIOBP (TRIO and F-actin binding protein; plus strand). Cytogenetic location: 22q13.1.
Variant type: Deletion.
Coding change: c.3718del on transcript NM_001039141.3 (MANE Select); coding-DNA position 3718, one base deleted (C; older notation c.3718delC).
Protein change: p.Leu1240fs; shifts the reading frame from leucine 1240.
Molecular consequence: frameshift variant.
Genome position (GRCh38, 1-based): chr22:37,726,274, C deleted; the last of 2 consecutive C bases (chr22:37,726,273-37,726,274); deleting either gives the same sequence. VCF-style (leftmost placement, unchanged base first): chr22-37726272-TC-T. GRCh37 (hg19) VCF-style: chr22-38122279-TC-T.
Other names: short protein forms L1240fs.
Identifiers: ClinVar variation 2009525 (VCV002009525.4), dbSNP rs2518177413, ClinGen allele CA2580099754.

ClinVar aggregate classification (germline): Pathogenic (1 of 4 stars; one submission).

Submission:

Labcorp Genetics (formerly Invitae), Labcorp
Classification: Pathogenic. Last evaluated: 2022-07-15. Review status: criteria provided, single submitter. Criteria: Invitae Variant Classification Sherloc (09022015). Collection method: clinical testing. Allele origin: germline.
Comment: For these reasons, this variant has been classified as Pathogenic. This variant has not been reported in the literature in individuals affected with TRIOBP-related conditions. This variant is not present in population databases (gnomAD no frequency). This sequence change creates a premature translational stop signal (p.Leu1240Trpfs*116) in the TRIOBP gene. It is expected to result in an absent or disrupted protein product. Loss-of-function variants in TRIOBP are known to be pathogenic (PMID: 16385457, 16385458, 20510926).

Literature cited by the submitters: PubMed 16385457; PubMed 16385458; PubMed 20510926.